The following is an entry in ClinVar:

NM_153614.4(DNAJB13):c.789delinsGTCCATCA (p.Asp263fs)

Gene: DNAJB13 (DnaJ heat shock protein family (Hsp40) member B13; plus strand). Cytogenetic location: 11q13.4.
Variant type: Indel.
Coding change: c.789delinsGTCCATCA on transcript NM_153614.4 (MANE Select); coding-DNA position 789, C replaced by GTCCATCA.
Protein change: p.Asp263fs; shifts the reading frame from aspartic acid 263.
Molecular consequence: frameshift variant.
Genome position (GRCh38, 1-based): chr11:73,969,314, C replaced by GTCCATCA. VCF-style: chr11-73969314-C-GTCCATCA. GRCh37 (hg19) VCF-style: chr11-73680359-C-GTCCATCA.
Other names: p.Asp263Glufs*26; c.615delinsGTCCATCA, p.Asp205fs (NM_001377263.1); short protein forms D205fs, D263fs.
Identifiers: ClinVar variation 3380035 (VCV003380035.1).

ClinVar aggregate classification (germline): Uncertain significance (1 of 4 stars; one submission).

Submission:

Mayo Clinic Laboratories, Mayo Clinic
Classification: Uncertain significance. Last evaluated: 2024-02-09. Review status: criteria provided, single submitter. Criteria: ACMG Guidelines, 2015. Collection method: clinical testing. Allele origin: germline. Observed: 1 variant allele.
Comment: PM2, PVS1_strong